The following is an entry in ClinVar:

NM_006231.4(POLE):c.3862G>A (p.Ala1288Thr)

Gene: POLE (DNA polymerase epsilon, catalytic subunit; minus strand). Cytogenetic location: 12q24.33.
Variant type: single nucleotide variant.
Coding change: c.3862G>A on transcript NM_006231.4 (MANE Select); coding-DNA position 3862, G replaced by A.
Protein change: p.Ala1288Thr; replaces alanine 1288 with threonine.
Molecular consequence: missense variant.
Genome position (GRCh38, 1-based): chr12:132,649,449, C>T on the plus strand (G>A on the coding strand, the complement: POLE is on the minus strand). VCF-style: chr12-132649449-C-T. GRCh37 (hg19) VCF-style: chr12-133226035-C-T.
Other names: short protein forms A1288T.
Identifiers: ClinVar variation 240482 (VCV000240482.68), dbSNP rs200398117, ClinGen allele CA6893070.

ClinVar aggregate classification (germline): Conflicting classifications of pathogenicity. Review status: criteria provided, conflicting classifications (1 of 4 stars). 9 submissions from 9 submitters: Uncertain significance (5); Likely benign (3). 1 of the submissions does not count toward it. Last evaluated 2026-01-26.

Conditions:
Polymerase proofreading-related adenomatous polyposis. Also called: Polymerase proofreading associated polyposis; Polymerase proofreading–associated polyposis (PPAP). Identifiers: Orphanet 447877, MedGen C5202613, MONDO:0018653.
Colorectal cancer, susceptibility to, 12 (CRCS12). Also called: COLORECTAL CANCER, SUSCEPTIBILITY TO, ON CHROMOSOME 12q24. Identifiers: Orphanet 220460, MedGen C3554460, MONDO:0014038, OMIM 615083.
POLE-related disorder. Also called: POLE-related condition; POLE-related disorders.
Hereditary cancer-predisposing syndrome. Also called: Tumor predisposition; Hereditary Cancer Syndrome; Neoplastic Syndromes, Hereditary; Hereditary neoplastic syndrome. Identifiers: Orphanet 140162, MedGen C0027672, MeSH D009386, MONDO:0015356.

Allele frequency attached by ClinVar (database versions not stated): TOPMed 0.00006; gnomAD exomes 0.00011 and 0.00021; ESP Exome Variant Server 0.00016; gnomAD 0.00016; ExAC 0.00020.
gnomAD v4.1: 183 of 1,612,284 alleles (0.011%); highest among the groups gnomAD compares: Non-Finnish European, 0.0094%; no homozygotes.

Submissions (9):

Labcorp Genetics (formerly Invitae), Labcorp
Classification: Likely benign. Last evaluated: 2026-01-26. Review status: criteria provided, single submitter. Criteria: Invitae Variant Classification Sherloc (09022015). Collection method: clinical testing. Allele origin: germline.

Center for Genomic Medicine, Rigshospitalet, Copenhagen University Hospital
Classification: Uncertain significance. Last evaluated: 2025-03-04. Review status: criteria provided, single submitter. Criteria: ACMG Guidelines, 2015. Collection method: clinical testing. Allele origin: germline.

Ambry Genetics
Classification: Likely benign for Hereditary cancer-predisposing syndrome. Last evaluated: 2024-12-05. Review status: criteria provided, single submitter. Criteria: Ambry Variant Classification Scheme 2023. Collection method: clinical testing. Allele origin: germline.

Blueprint Genetics
Classification: Likely benign. Last evaluated: 2024-11-22. Review status: criteria provided, single submitter. Criteria: ACMG Guidelines, 2015. Collection method: clinical testing. Allele origin: germline.

GeneDx
Classification: Uncertain significance. Last evaluated: 2024-08-14. Review status: criteria provided, single submitter. Criteria: GeneDx Variant Classification Process June 2021. Collection method: clinical testing. Allele origin: germline. Affected: yes.
Comment: In silico analysis indicates that this missense variant does not alter protein structure/function; Observed in individuals with ovarian cancer (PMID: 32546565); This variant is associated with the following publications: (PMID: 25344691, 32546565)

CeGaT Center for Human Genetics Tuebingen
Classification: Uncertain significance. Last evaluated: 2021-12-01. Review status: criteria provided, single submitter. Criteria: CeGaT Center For Human Genetics Tuebingen Variant Classification Criteria Version 2. Collection method: clinical testing. Allele origin: germline. Affected: yes. Observed: 1 variant allele.

Department of Pathology and Laboratory Medicine, Sinai Health System
Classification: Uncertain significance for Polymerase proofreading-related adenomatous polyposis. Last evaluated: 2020-02-06. Review status: criteria provided, single submitter. Criteria: ACMG Guidelines, 2015. Collection method: clinical testing. Allele origin: germline. Affected: yes.

Mendelics
Classification: Uncertain significance for Colorectal cancer, susceptibility to, 12. Last evaluated: 2019-05-28. Review status: criteria provided, single submitter. Criteria: Mendelics Assertion Criteria 2017. Collection method: clinical testing. Allele origin: unknown.

PreventionGenetics, part of Exact Sciences
Classification: Uncertain significance for POLE-related condition. Last evaluated: 2024-04-19. Review status: no assertion criteria provided. Collection method: clinical testing. Allele origin: germline. Not counted in ClinVar's aggregate classification.
Comment: The POLE c.3862G>A variant is predicted to result in the amino acid substitution p.Ala1288Thr. To our knowledge, this variant has not been reported in the literature. This variant is reported in 0.065% of alleles in individuals of European (Finnish) descent in gnomAD and is interpreted as a variant of uncertain significance by majority of the submitters in ClinVar. At this time, the clinical significance of this variant is uncertain due to the absence of conclusive functional and genetic evidence.